The following is an entry in ClinVar:

ClinVar aggregate classification (germline): Uncertain significance. Review status: criteria provided, multiple submitters, no conflicts (2 of 4 stars). 2 submissions from 2 submitters: Uncertain significance (2). Last evaluated 2025-09-09.

Allele frequency attached by ClinVar (database versions not stated): gnomAD 0.00001; TOPMed 0.00001.

Submissions (2):

Ambry Genetics
Classification: Uncertain significance. Last evaluated: 2025-09-09. Review status: criteria provided, single submitter. Criteria: Ambry Variant Classification Scheme 2023. Collection method: clinical testing. Allele origin: germline.

Labcorp Genetics (formerly Invitae), Labcorp
Classification: Uncertain significance. Last evaluated: 2023-05-11. Review status: criteria provided, single submitter. Criteria: Invitae Variant Classification Sherloc (09022015). Collection method: clinical testing. Allele origin: germline.
Comment: This sequence change replaces arginine, which is basic and polar, with lysine, which is basic and polar, at codon 165 of the POLR3F protein (p.Arg165Lys). This variant is not present in population databases (gnomAD no frequency). This variant has not been reported in the literature in individuals affected with POLR3F-related conditions. Experimental studies and prediction algorithms are not available or were not evaluated, and the functional significance of this variant is currently unknown. In summary, the available evidence is currently insufficient to determine the role of this variant in disease. Therefore, it has been classified as a Variant of Uncertain Significance.

NM_006466.4(POLR3F):c.617G>A (p.Arg206Lys)

Gene: POLR3F (RNA polymerase III subunit F; plus strand). Cytogenetic location: 20p11.23.
Variant type: single nucleotide variant.
Coding change: c.617G>A on transcript NM_006466.4 (MANE Select); coding-DNA position 617, G replaced by A.
Protein change: p.Arg206Lys; replaces arginine 206 with lysine.
Molecular consequence: missense variant. On other transcripts: non-coding transcript variant (1).
Genome position (GRCh38, 1-based): chr20:18,480,445, G>A. VCF-style: chr20-18480445-G-A. GRCh37 (hg19) VCF-style: chr20-18461089-G-A.
Other names: c.494G>A, p.Arg165Lys (NM_001282526.2); c.473G>A, p.Arg158Lys (NM_001410821.1); c.617G>A (NM_006466.2); short protein forms R165K, R206K, R158K.
Identifiers: ClinVar variation 2818077 (VCV002818077.4), dbSNP rs1223150834, ClinGen allele CA408352653.